The following is an entry in ClinVar:

NCBI36/hg18 4q28.3(chr4:135146708-135399635)x1

Variant type: copy number loss.
Identifiers: ClinVar variation 400069 (VCV000400069.2).

ClinVar aggregate classification (germline): conflicting data from submitters (0 of 4 stars; one submission).

Submission:

ISCA site 19
Classification: conflicting data from submitters. Review status: no assertion criteria provided. Collection method: clinical testing. Allele origin: unknown. Affected: yes. Observed: 10 variant alleles. Clinical features observed: Global developmental delay (HP:0001263), Developmental delay AND/OR other significant developmental or morphological phenotypes.
Comment: Uncertain significance(2), Likely benign (8)

Copy number variation identified through the course of routine clinical cytogenomic testing in postnatal populations, with clinical assertions as classified by the original submitter. For data from the original published study, Kaminsky, et al. 2011 (PubMed 21844811), please see nstd101.